The following is an entry in ClinVar:

NM_001142800.2(EYS):c.4022del (p.Ser1341fs)

Gene: EYS (EGF-like photoreceptor maintenance factor; minus strand). Cytogenetic location: 6q12.
Variant type: Deletion.
Coding change: c.4022del on transcript NM_001142800.2 (MANE Select); coding-DNA position 4022, one base deleted (C; older notation c.4022delC).
Protein change: p.Ser1341fs; shifts the reading frame from serine 1341.
Molecular consequence: frameshift variant.
Genome position (GRCh38, 1-based): chr6:64,591,845, G deleted on the plus strand (C on the coding strand, the reverse complement: EYS is on the minus strand). VCF-style (leftmost placement, unchanged base first): chr6-64591844-AG-A. GRCh37 (hg19) VCF-style: chr6-65301737-AG-A.
Other names: c.4022del, p.Ser1341fs (NM_001292009.2); c.4022delC (NM_001142800.2); short protein forms S1341fs.
Identifiers: ClinVar variation 4536622 (VCV004536622.1).

ClinVar aggregate classification (germline): Pathogenic (1 of 4 stars; one submission).

Conditions:
Retinitis pigmentosa 25 (RP25). Identifiers: Orphanet 791, MedGen C1864446, MONDO:0011272, OMIM 602772.

Submission:

Ophthalmology, Kobe City Eye Hospital
Classification: Pathogenic for Retinitis pigmentosa 25. Last evaluated: 2025-11-28. Review status: criteria provided, single submitter. Criteria: Fujinami et al. (Jpn J Ophthalmol. 2024). Collection method: research. Allele origin: germline. Affected: yes. Observed: 1 variant allele.
Comment: This variant was classified according to the ACMG/AMP guidelines. PVS1_VeryStrong: This null variant is predicted to result in loss of normal protein function, and loss of function is an established disease mechanism for EYS-associated retinitis pigmentosa. PMIDs: 18836446, 20333770. PM2_Moderate: This variant is absent or extremely rare in large population databases such as gnomAD, consistent with a recessive disease mechanism. Based on PVS1_VeryStrong, PM2_Moderate, and PM3_Moderate, this variant is classified as pathogenic.

Literature cited by the submitters: 18836446, 20333770.